The following is an entry in ClinVar:

NM_003076.5(SMARCD1):c.877C>G (p.Pro293Ala)

Gene: SMARCD1 (SWI/SNF related BAF chromatin remodeling complex subunit D1; plus strand). Cytogenetic location: 12q13.12.
Variant type: single nucleotide variant.
Coding change: c.877C>G on transcript NM_003076.5 (MANE Select); coding-DNA position 877, C replaced by G.
Protein change: p.Pro293Ala; replaces proline 293 with alanine.
Molecular consequence: missense variant.
Genome position (GRCh38, 1-based): chr12:50,090,244, C>G. VCF-style: chr12-50090244-C-G. GRCh37 (hg19) VCF-style: chr12-50484027-C-G.
Other names: c.877C>G, p.Pro293Ala (NM_139071.3); short protein forms P293A.
Identifiers: ClinVar variation 2499786 (VCV002499786.1), dbSNP rs377735931, ClinGen allele CA384791285.

ClinVar aggregate classification (germline): Uncertain significance (1 of 4 stars; one submission).

gnomAD v4.1: 2 of 1,610,860 alleles (0.00012%); highest among the groups gnomAD compares: Non-Finnish European, 0.00017%; no homozygotes.

Submission:

GeneDx
Classification: Uncertain significance. Last evaluated: 2022-10-24. Review status: criteria provided, single submitter. Criteria: GeneDx Variant Classification Process June 2021. Collection method: clinical testing. Allele origin: germline. Affected: yes.
Comment: Not observed at significant frequency in large population cohorts (gnomAD); In silico analysis supports that this missense variant has a deleterious effect on protein structure/function; Has not been previously published as pathogenic or benign to our knowledge